The following is an entry in ClinVar:

NM_014845.6(FIG4):c.521C>T (p.Ser174Leu)

Gene: FIG4 (FIG4 phosphoinositide 5-phosphatase; plus strand). Cytogenetic location: 6q21.
Variant type: single nucleotide variant.
Coding change: c.521C>T on transcript NM_014845.6 (MANE Select); coding-DNA position 521, C replaced by T.
Protein change: p.Ser174Leu; replaces serine 174 with leucine.
Molecular consequence: missense variant.
Genome position (GRCh38, 1-based): chr6:109,735,173, C>T. VCF-style: chr6-109735173-C-T. GRCh37 (hg19) VCF-style: chr6-110056376-C-T.
Other names: short protein forms S174L.
Identifiers: ClinVar variation 1061894 (VCV001061894.8), dbSNP rs775391378, ClinGen allele CA3955828.

ClinVar aggregate classification (germline): Uncertain significance (1 of 4 stars; one submission).

Conditions:
Charcot-Marie-Tooth disease type 4. Also called: Charcot-Marie-Tooth, Type 4; Charcot-Marie-Tooth disease, type IV. Identifiers: Orphanet 64749, MedGen C4082197, MONDO:0018995.

Allele frequency attached by ClinVar (database versions not stated): ExAC 0.00001; gnomAD 0.00001; gnomAD exomes 0.00001; TOPMed 0.00001.
gnomAD v4.1: 8 of 1,612,606 alleles (0.0005%); highest among the groups gnomAD compares: Non-Finnish European, 0.00068%; no homozygotes.

Submission:

Labcorp Genetics (formerly Invitae), Labcorp
Classification: Uncertain significance for Charcot-Marie-Tooth disease type 4. Last evaluated: 2022-06-20. Review status: criteria provided, single submitter. Criteria: Invitae Variant Classification Sherloc (09022015). Collection method: clinical testing. Allele origin: germline.
Comment: This variant has not been reported in the literature in individuals affected with FIG4-related conditions. This variant is present in population databases (rs775391378, gnomAD 0.003%). This sequence change replaces serine, which is neutral and polar, with leucine, which is neutral and non-polar, at codon 174 of the FIG4 protein (p.Ser174Leu). ClinVar contains an entry for this variant (Variation ID: 1061894). In summary, the available evidence is currently insufficient to determine the role of this variant in disease. Therefore, it has been classified as a Variant of Uncertain Significance. Algorithms developed to predict the effect of missense changes on protein structure and function are either unavailable or do not agree on the potential impact of this missense change (SIFT: "Deleterious"; PolyPhen-2: "Probably Damaging"; Align-GVGD: "Class C0").